The following is an entry in ClinVar:

NM_004183.4(BEST1):c.1149G>T (p.Glu383Asp)

Gene: BEST1 (bestrophin 1; plus strand). Cytogenetic location: 11q12.3.
Variant type: single nucleotide variant.
Coding change: c.1149G>T on transcript NM_004183.4 (MANE Select); coding-DNA position 1149, G replaced by T.
Protein change: p.Glu383Asp; replaces glutamic acid 383 with aspartic acid.
Molecular consequence: missense variant. On other transcripts: non-coding transcript variant (1).
Genome position (GRCh38, 1-based): chr11:61,962,303, G>T. VCF-style: chr11-61962303-G-T. GRCh37 (hg19) VCF-style: chr11-61729775-G-T.
Other names: c.1149G>T (NM_004183.3); c.177G>T, p.Glu59Asp (NM_001363593.3); c.969G>T, p.Glu323Asp (NM_001139443.3, NM_001300787.2); c.888G>T, p.Glu296Asp (NM_001300786.2); c.831G>T, p.Glu277Asp (NM_001363591.3); c.*44G>T (NM_001363592.2); short protein forms E323D, E277D, E383D, E296D, E59D.
Identifiers: ClinVar variation 3664706 (VCV003664706.3).

ClinVar aggregate classification (germline): Uncertain significance. Review status: criteria provided, multiple submitters, no conflicts (2 of 4 stars). 2 submissions from 2 submitters: Uncertain significance (2). Last evaluated 2025-07-02.

Conditions:
Inborn genetic diseases. Identifiers: MedGen C0950123, MeSH D030342.

Submissions (2):

Ambry Genetics
Classification: Uncertain significance for Inborn genetic diseases. Last evaluated: 2025-07-02. Review status: criteria provided, single submitter. Criteria: Ambry Variant Classification Scheme 2023. Collection method: clinical testing. Allele origin: germline.

Labcorp Genetics (formerly Invitae), Labcorp
Classification: Uncertain significance. Last evaluated: 2025-03-17. Review status: criteria provided, single submitter. Criteria: Invitae Variant Classification Sherloc (09022015). Collection method: clinical testing. Allele origin: germline.
Comment: This sequence change replaces glutamic acid, which is acidic and polar, with aspartic acid, which is acidic and polar, at codon 383 of the BEST1 protein (p.Glu383Asp). This variant is not present in population databases (gnomAD no frequency). This variant has not been reported in the literature in individuals affected with BEST1-related conditions. An algorithm developed to predict the effect of missense changes on protein structure and function outputs the following: PolyPhen-2: "Benign". The aspartic acid amino acid residue is found in multiple mammalian species, which suggests that this missense change does not adversely affect protein function. In summary, the available evidence is currently insufficient to determine the role of this variant in disease. Therefore, it has been classified as a Variant of Uncertain Significance.